The following is an entry in ClinVar:

NM_138295.5(PKD1L1):c.8452dup (p.Thr2818fs)

Gene: PKD1L1 (polycystin 1 like 1, transient receptor potential channel interacting; minus strand). Cytogenetic location: 7p12.3.
Variant type: Duplication.
Coding change: c.8452dup on transcript NM_138295.5 (MANE Select); coding-DNA position 8452, one base duplicated (A; older notation c.8452dupA).
Protein change: p.Thr2818fs; shifts the reading frame from threonine 2818.
Molecular consequence: frameshift variant.
Genome position (GRCh38, 1-based): chr7:47,792,701, T duplicated on the plus strand (A on the coding strand, the reverse complement: PKD1L1 is on the minus strand); the first of 6 consecutive T bases (chr7:47,792,701-47,792,706); duplicating any one gives the same sequence. VCF-style (leftmost placement, unchanged base first): chr7-47792700-G-GT. GRCh37 (hg19) VCF-style: chr7-47832298-G-GT.
Other names: c.8452dupA (NM_138295.3); short protein forms T2818fs.
Identifiers: ClinVar variation 1702764 (VCV001702764.4), dbSNP rs761514270, ClinGen allele CA4251720.

ClinVar aggregate classification (germline): Uncertain significance. Review status: criteria provided, multiple submitters, no conflicts (2 of 4 stars). 2 submissions from 2 submitters: Uncertain significance (2). Last evaluated 2026-08-05.

Conditions:
PKD1L1-related disorder. Also called: PKD1L1-related condition.

Submissions (2):

GeneDx
Classification: Uncertain significance. Last evaluated: 2026-08-05. Review status: criteria provided, single submitter. Criteria: GeneDx Variant Classification Process June 2021. Collection method: clinical testing. Allele origin: germline.
Comment: Has not been previously published as pathogenic or benign to our knowledge; Frameshift variant predicted to result in abnormal protein length as the last 32 amino acid(s) are replaced with 19 different amino acid(s) with an unclear effect on protein function

PreventionGenetics, part of Exact Sciences
Classification: Uncertain significance for PKD1L1-related condition. Last evaluated: 2026-06-21. Review status: criteria provided, single submitter. Criteria: ACMG Guidelines, 2015. Collection method: clinical testing. Allele origin: germline.
Comment: The PKD1L1 c.8452dupA variant is predicted to result in a frameshift and premature protein termination (p.Thr2818Asnfs*20). This variant occurs within the penultimate exon of PKD1L1. To our knowledge, this variant has not been reported in the literature and no truncating variants downstream of this position have been reported in individuals with PKD1L1-related disorders. This variant is reported in 0.092% of alleles in individuals of African descent in gnomAD. At this time, the clinical significance of this variant is uncertain due to the absence of conclusive functional and genetic evidence.